The following is an entry in ClinVar:

ClinVar aggregate classification (germline): Benign/Likely benign. Review status: criteria provided, multiple submitters, no conflicts (2 of 4 stars). 8 submissions from 8 submitters: Benign (7); Likely benign (1). Last evaluated 2026-02-04.

Conditions:
Hermansky-Pudlak syndrome 6 (HPS6). Identifiers: Orphanet 231512, Orphanet 79430, MedGen C3888007, MONDO:0013558, OMIM 614075.

Allele frequency attached by ClinVar (database versions not stated): gnomAD exomes 0.00169 and 0.00234; ESP Exome Variant Server 0.00299; ExAC 0.00414; 1000 Genomes Project 0.00998; TOPMed 0.01121; 1000 Genomes Project 30x 0.01171.
gnomAD v4.1: 4,160 of 1,543,738 alleles (0.27%); highest among the groups gnomAD compares: African/African-American, 3.3%; 57 homozygotes.

Submissions (8):

Labcorp Genetics (formerly Invitae), Labcorp
Classification: Benign. Last evaluated: 2026-02-04. Review status: criteria provided, single submitter. Criteria: Invitae Variant Classification Sherloc (09022015). Collection method: clinical testing. Allele origin: germline.

Blueprint Genetics
Classification: Likely benign. Last evaluated: 2024-11-27. Review status: criteria provided, single submitter. Criteria: ACMG Guidelines, 2015. Collection method: clinical testing. Allele origin: germline.

Mayo Clinic Laboratories, Mayo Clinic
Classification: Benign. Last evaluated: 2024-10-05. Review status: criteria provided, single submitter. Criteria: ACMG Guidelines, 2015. Collection method: clinical testing. Allele origin: germline. Observed: 2 variant alleles.
Comment: BS1, BS2, BP4, BP7

Illumina Laboratory Services, Illumina
Classification: Benign for Hermansky-Pudlak syndrome 6. Last evaluated: 2018-01-13. Review status: criteria provided, single submitter. Criteria: ICSL Variant Classification Criteria 13 December 2019. Collection method: clinical testing. Allele origin: germline.
Comment: This variant was observed in the ICSL laboratory as part of a predisposition screen in an ostensibly healthy population. It had not been previously curated by ICSL or reported in the Human Gene Mutation Database (HGMD: prior to June 1st, 2018), and was therefore a candidate for classification through an automated scoring system. Utilizing variant allele frequency, disease prevalence and penetrance estimates, and inheritance mode, an automated score was calculated to assess if this variant is too frequent to cause the disease. Based on the score and internal cut-off values, a variant classified as benign is not then subjected to further curation. The score for this variant resulted in a classification of benign for this disease.

Eurofins Ntd Llc (ga)
Classification: Benign. Last evaluated: 2015-06-15. Review status: criteria provided, single submitter. Criteria: EGL Classification Definitions 2015. Collection method: clinical testing. Allele origin: germline. Observed: 2 variant alleles, 2 heterozygotes.

Laboratory for Molecular Medicine, Mass General Brigham Personalized Medicine
Classification: Benign. Last evaluated: 2013-02-21. Review status: criteria provided, single submitter. Criteria: LMM Criteria. Collection method: clinical testing. Allele origin: germline. Observed: 3 variant alleles.
Comment: Arg33Arg in exon 1 of HPS6: This variant is not expected to have clinical signif icance because it does not alter an amino acid residue and is not located within the splice consensus sequence. It has been identified in 0.8% (20/2358) of Afri can American chromosomes from a broad population by the NHLBI Exome Sequencing P roject (dbSNP rs139591041).

Breakthrough Genomics
Classification: Benign. Review status: criteria provided, single submitter. Criteria: ACMG Guidelines, 2015. Collection method: not provided. Allele origin: germline. Inheritance: Autosomal recessive inheritance. Affected: yes.

PreventionGenetics, part of Exact Sciences
Classification: Benign. Review status: criteria provided, single submitter. Criteria: ACMG Guidelines, 2015. Collection method: clinical testing. Allele origin: germline.

NM_024747.6(HPS6):c.99A>G (p.Arg33=)

Genes: HPS6 (HPS6 biogenesis of lysosomal organelles complex 2 subunit 3; plus strand), LOC130004578 (ATAC-STARR-seq lymphoblastoid silent region 2738; plus strand). Cytogenetic location: 10q24.32.
Variant type: single nucleotide variant.
Coding change: c.99A>G on transcript NM_024747.6 (MANE Select); coding-DNA position 99, A replaced by G.
Protein change: p.Arg33=; no amino-acid change (arginine 33 retained).
Molecular consequence: synonymous variant.
Genome position (GRCh38, 1-based): chr10:102,065,573, A>G. VCF-style: chr10-102065573-A-G. GRCh37 (hg19) VCF-style: chr10-103825330-A-G.
Other names: p.Arg33=.
Identifiers: ClinVar variation 163680 (VCV000163680.26), dbSNP rs139591041, ClinGen allele CA176340.